The following is an entry in ClinVar:

ClinVar aggregate classification (germline): Benign. Review status: criteria provided, multiple submitters, no conflicts (2 of 4 stars). 7 submissions from 2 submitters: Benign (7). Last evaluated 2018-01-13.

Conditions:
Choroidal dystrophy, central areolar 2 (CACD2). Also called: MACULAR DYSTROPHY, PROGRESSIVE; Choriodal Dystrophy, Central Areolar 2. Identifiers: Orphanet 75377, MedGen C2751290, MONDO:0013137, OMIM 613105.
Cone-rod dystrophy. Also called: Cone-rod degeneration; Cone/cone-rod dystrophy. Identifiers: Orphanet 1872, MedGen C4085590, MONDO:0015993, HP:0000548.
Patterned macular dystrophy 1. Also called: BUTTERFLY DYSTROPHY OF RETINAL PIGMENT EPITHELIUM; MACULAR DYSTROPHY, BUTTERFLY-SHAPED PIGMENTARY. Identifiers: Orphanet 99001, MedGen C4551999, MONDO:0008210, OMIM 169150.
Pigmentary retinal dystrophy. Also called: Fundus albipunctatus. Identifiers: Orphanet 227796, Orphanet 52427, MedGen C0311338, MONDO:0007639, OMIM 136880, HP:0030642.
Retinitis pigmentosa (RP). Identifiers: Orphanet 791, MedGen C0035334, MeSH D012174, MONDO:0019200, OMIM 268000. Inheritance: Autosomal dominant, autosomal recessive and X linked inheritance.
Adult-onset foveomacular vitelliform dystrophy. Also called: FOVEOMACULAR DYSTROPHY, ADULT-ONSET; FOVEOMACULAR DYSTROPHY, ADULT-ONSET, WITH OR WITHOUT CHOROIDAL NEOVASCULARIZATION; Adult onset vitelliform dystrophy. Identifiers: Orphanet 99000, MedGen C1842914, MONDO:0011979.

Allele frequency attached by ClinVar (database versions not stated): gnomAD 0.24219 and 0.24338; TOPMed 0.25317; 1000 Genomes Project 0.25659; 1000 Genomes Project 30x 0.25671; gnomAD exomes 0.27589.
gnomAD v4.1: 315,240 of 1,160,762 alleles (27%); highest among the groups gnomAD compares: East Asian, 43%; 44,651 homozygotes.

Submissions (7):

Illumina Laboratory Services, Illumina
Classification: Benign for Vitelliform macular dystrophy 3. Last evaluated: 2018-01-13. Review status: criteria provided, single submitter. Criteria: ICSL Variant Classification Criteria 13 December 2019. Collection method: clinical testing. Allele origin: germline.
Comment: This variant was observed in the ICSL laboratory as part of a predisposition screen in an ostensibly healthy population. It had not been previously curated by ICSL or reported in the Human Gene Mutation Database (HGMD: prior to June 1st, 2018), and was therefore a candidate for classification through an automated scoring system. Utilizing variant allele frequency, disease prevalence and penetrance estimates, and inheritance mode, an automated score was calculated to assess if this variant is too frequent to cause the disease. Based on the score and internal cut-off values, a variant classified as benign is not then subjected to further curation. The score for this variant resulted in a classification of benign for this disease.

Illumina Laboratory Services, Illumina
Classification: Benign for Pigmentary retinal dystrophy. Last evaluated: 2018-01-13. Review status: criteria provided, single submitter. Criteria: ICSL Variant Classification Criteria 13 December 2019. Collection method: clinical testing. Allele origin: germline.
Comment: the same text as in the submission from Illumina Laboratory Services, Illumina above.

Illumina Laboratory Services, Illumina
Classification: Benign for Cone-rod dystrophy. Last evaluated: 2018-01-13. Review status: criteria provided, single submitter. Criteria: ICSL Variant Classification Criteria 13 December 2019. Collection method: clinical testing. Allele origin: germline.
Comment: the same text as in the submission from Illumina Laboratory Services, Illumina above.

Illumina Laboratory Services, Illumina
Classification: Benign for Retinitis pigmentosa. Last evaluated: 2018-01-13. Review status: criteria provided, single submitter. Criteria: ICSL Variant Classification Criteria 13 December 2019. Collection method: clinical testing. Allele origin: germline.
Comment: the same text as in the submission from Illumina Laboratory Services, Illumina above.

Illumina Laboratory Services, Illumina
Classification: Benign for Patterned macular dystrophy 1. Last evaluated: 2018-01-13. Review status: criteria provided, single submitter. Criteria: ICSL Variant Classification Criteria 13 December 2019. Collection method: clinical testing. Allele origin: germline.
Comment: the same text as in the submission from Illumina Laboratory Services, Illumina above.

Illumina Laboratory Services, Illumina
Classification: Benign for Choroidal dystrophy, central areolar 2. Last evaluated: 2018-01-13. Review status: criteria provided, single submitter. Criteria: ICSL Variant Classification Criteria 13 December 2019. Collection method: clinical testing. Allele origin: germline.
Comment: the same text as in the submission from Illumina Laboratory Services, Illumina above.

GeneDx
Classification: Benign. Last evaluated: 2015-03-03. Review status: criteria provided, single submitter. Criteria: GeneDx Variant Classification Process June 2021. Collection method: clinical testing. Allele origin: germline. Affected: yes.

NM_000322.5(PRPH2):c.*145G>A

Gene: PRPH2 (peripherin 2; minus strand). Cytogenetic location: 6p21.1.
Variant type: single nucleotide variant.
Coding change: c.*145G>A on transcript NM_000322.5 (MANE Select); 145 bases downstream of the stop codon, G replaced by A.
Molecular consequence: 3 prime UTR variant.
Genome position (GRCh38, 1-based): chr6:42,698,150, C>T on the plus strand (G>A on the coding strand, the complement: PRPH2 is on the minus strand). VCF-style: chr6-42698150-C-T. GRCh37 (hg19) VCF-style: chr6-42665888-C-T.
Identifiers: ClinVar variation 356773 (VCV000356773.8), dbSNP rs835, ClinGen allele CA10623955.